The following is an entry in ClinVar:

NM_000489.6(ATRX):c.2711T>A (p.Leu904Ter)

Gene: ATRX (ATRX chromatin remodeler; minus strand). Cytogenetic location: Xq21.1.
Variant type: single nucleotide variant.
Coding change: c.2711T>A on transcript NM_000489.6 (MANE Select); coding-DNA position 2711, T replaced by A.
Protein change: p.Leu904Ter; replaces leucine 904 with a stop codon.
Molecular consequence: nonsense.
Genome position (GRCh38, 1-based): chrX:77,682,545, A>T on the plus strand (T>A on the coding strand, the complement: ATRX is on the minus strand). VCF-style: chrX-77682545-A-T. GRCh37 (hg19) VCF-style: chrX-76938037-A-T.
Other names: c.2597T>A, p.Leu866Ter (NM_138270.5); short protein forms L866*, L904*.
Identifiers: ClinVar variation 2753962 (VCV002753962.3), dbSNP rs2148590668, ClinGen allele CA413710856.

ClinVar aggregate classification (germline): Pathogenic (1 of 4 stars; one submission).

Conditions:
Alpha thalassemia-X-linked intellectual disability syndrome (ATRX). Also called: ALPHA-THALASSEMIA/MENTAL RETARDATION SYNDROME, X-LINKED; ATR, NONDELETION TYPE; ATR-X syndrome; Alpha thalassemia mental retardation syndrome, nondeletion type, X-linked; XLMR hypotonic face syndrome; X-linked alpha-thalassemia-mental retardation syndrome. Identifiers: Orphanet 847, MedGen C1845055, MONDO:0010519, OMIM 301040.

Submission:

Labcorp Genetics (formerly Invitae), Labcorp
Classification: Pathogenic for Alpha thalassemia-X-linked intellectual disability syndrome. Last evaluated: 2023-08-19. Review status: criteria provided, single submitter. Criteria: Invitae Variant Classification Sherloc (09022015). Collection method: clinical testing. Allele origin: germline.
Comment: This variant has not been reported in the literature in individuals affected with ATRX-related conditions. For these reasons, this variant has been classified as Pathogenic. This variant is not present in population databases (gnomAD no frequency). This sequence change creates a premature translational stop signal (p.Leu904*) in the ATRX gene. It is expected to result in an absent or disrupted protein product. Loss-of-function variants in ATRX are known to be pathogenic (PMID: 15591283, 18409179, 23681356).

Literature cited by the submitters: PubMed 15591283; PubMed 18409179; PubMed 23681356.